The following is an entry in ClinVar:

NM_000518.5(HBB):c.*57C>G

Genes: HBB (hemoglobin subunit beta; minus strand), LOC107133510 (origin of replication at HBB; plus strand), LOC110006319 (beta-globin gene 3' regulatory region; plus strand). Cytogenetic location: 11p15.4.
Variant type: single nucleotide variant.
Coding change: c.*57C>G on transcript NM_000518.5 (MANE Select); 57 bases downstream of the stop codon, C replaced by G.
Molecular consequence: 3 prime UTR variant.
Genome position (GRCh38, 1-based): chr11:5,225,541, G>C on the plus strand (C>G on the coding strand, the complement: HBB is on the minus strand). VCF-style: chr11-5225541-G-C. GRCh37 (hg19) VCF-style: chr11-5246771-G-C.
Identifiers: ClinVar variation 2501084 (VCV002501084.3), dbSNP rs1316817965, ClinGen allele CA677551602.

ClinVar aggregate classification (germline): Uncertain significance. Review status: criteria provided, multiple submitters, no conflicts (2 of 4 stars). 2 submissions from 2 submitters: Uncertain significance (2). Last evaluated 2024-12-29.

Allele frequency attached by ClinVar (database versions not stated): gnomAD exomes below 0.00001; gnomAD 0.00002; TOPMed 0.00002.

Submissions (2):

Quest Diagnostics Nichols Institute San Juan Capistrano
Classification: Uncertain significance. Last evaluated: 2024-12-29. Review status: criteria provided, single submitter. Criteria: Quest Diagnostics criteria. Collection method: clinical testing. Allele origin: unknown.
Comment: The HBB c.*57C>G variant has not been reported in individuals with HBB-related conditions in the published literature. The frequency of this variant in the general population (Genome Aggregation Database) is uninformative in the assessment of its pathogenicity. Based on the available information, we are unable to determine the clinical significance of this variant.

Women's Health and Genetics/Laboratory Corporation of America, LabCorp
Classification: Uncertain significance. Last evaluated: 2023-03-24. Review status: criteria provided, single submitter. Criteria: LabCorp Variant Classification Summary - May 2015. Collection method: clinical testing. Allele origin: germline.
Comment: Variant summary: HBB c.*57C>G involves the alteration of a non-conserved nucleotide located in the untranslated mRNA region downstream of the termination codon, which doesn't affect the 'known' polyadenylation signal (PAS) (PMID: 27821013). The variant allele was found at a frequency of 2e-05 in 150986 control chromosomes (gnomAD v3.1, genomes dataset). The available data on variant occurrences in the general population are insufficient to allow any conclusion about variant significance. To our knowledge, no occurrence of c.*57C>G in individuals affected with Hemoglobinopathy and no experimental evidence demonstrating its impact on protein function have been reported. No clinical diagnostic laboratories have submitted clinical-significance assessments for this variant to ClinVar after 2014. Based on the evidence outlined above, the variant was classified as uncertain significance.